The following is an entry in ClinVar:

ClinVar aggregate classification (germline): Uncertain significance (1 of 4 stars; one submission).

Conditions:
Early-infantile DEE. Also called: Early infantile epileptic encephalopathy; Early infantile epileptic encephalopathy with suppression bursts; Ohtahara syndrome. Identifiers: Orphanet 1934, MedGen C0393706, MONDO:0800491.

Submission:

Labcorp Genetics (formerly Invitae), Labcorp
Classification: Uncertain significance for Early-infantile DEE. Last evaluated: 2025-11-27. Review status: criteria provided, single submitter. Criteria: Invitae Variant Classification Sherloc (09022015). Collection method: clinical testing. Allele origin: germline.
Comment: This sequence change replaces glutamine, which is neutral and polar, with leucine, which is neutral and non-polar, at codon 130 of the SPTAN1 protein (p.Gln130Leu). This variant is not present in population databases (gnomAD no frequency). This variant has not been reported in the literature in individuals affected with SPTAN1-related conditions. Invitae Evidence Modeling of protein sequence and biophysical properties (such as structural, functional, and spatial information, amino acid conservation, physicochemical variation, residue mobility, and thermodynamic stability) has been performed for this missense variant. However, the output from this modeling did not meet the statistical confidence thresholds required to predict the impact of this variant on SPTAN1 protein function. In summary, the available evidence is currently insufficient to determine the role of this variant in disease. Therefore, it has been classified as a Variant of Uncertain Significance.

NM_001130438.3(SPTAN1):c.389A>T (p.Gln130Leu)

Gene: SPTAN1 (spectrin alpha, non-erythrocytic 1; plus strand). Cytogenetic location: 9q34.11.
Variant type: single nucleotide variant.
Coding change: c.389A>T on transcript NM_001130438.3 (MANE Select); coding-DNA position 389, A replaced by T.
Protein change: p.Gln130Leu; replaces glutamine 130 with leucine.
Molecular consequence: missense variant.
Genome position (GRCh38, 1-based): chr9:128,574,700, A>T. VCF-style: chr9-128574700-A-T. GRCh37 (hg19) VCF-style: chr9-131336979-A-T.
Other names: c.389A>T, p.Gln130Leu (NM_001195532.2, NM_001363759.2, NM_001363765.2 and 10 more transcripts); c.425A>T, p.Gln142Leu (NM_001375312.2, NM_001375318.1, NM_001438440.1); short protein forms Q130L, Q142L.
Identifiers: ClinVar variation 4801836 (VCV004801836.1).